The following is an entry in ClinVar:

NM_001166108.2(PALLD):c.3260T>G (p.Leu1087Arg)

Genes: CBR4 (carbonyl reductase 4; minus strand), PALLD (palladin, cytoskeletal associated protein; plus strand). Cytogenetic location: 4q32.3.
Variant type: single nucleotide variant.
Coding change: c.3260T>G on transcript NM_001166108.2 (MANE Select); coding-DNA position 3260, T replaced by G.
Protein change: p.Leu1087Arg; replaces leucine 1087 with arginine.
Molecular consequence: missense variant.
Genome position (GRCh38, 1-based): chr4:168,924,980, T>G. VCF-style: chr4-168924980-T-G. GRCh37 (hg19) VCF-style: chr4-169846131-T-G.
Other names: c.2063T>G, p.Leu688Arg (NM_001166109.2); c.1748T>G, p.Leu583Arg (NM_001166110.2); c.1088T>G, p.Leu363Arg (NM_001367567.1, NM_001367569.1); c.1139T>G, p.Leu380Arg (NM_001367568.1, NM_001367570.1); c.3209T>G, p.Leu1070Arg (NM_016081.4); short protein forms L1087R, L380R, L688R, L1070R, L363R, L583R.
Identifiers: ClinVar variation 3885328 (VCV003885328.1).
Genomic context (GRCh38, chr4:168,924,980, plus strand): 5'-CTAATGACTTTATCCTTTTCTCCAGCATGCACCAGGACAACCACGGCTACATCTGCCTGC[T>G]CATTCAGGGAGCCACAAAAGAAGATGCTGGGTGGTATACTGTGTCAGCCAAGAATGAAGC-3'
Protein context (NP_001159580.1, residues 1077-1097): HQDNHGYICL[Leu1087Arg]IQGATKEDAG

ClinVar aggregate classification (germline): Uncertain significance (1 of 4 stars; one submission).

gnomAD v4.1: 1 of 1,614,040 alleles (0.000062%); highest among the groups gnomAD compares: Non-Finnish European, 0.000085%; no homozygotes.

Submission:

Ambry Genetics
Classification: Uncertain significance. Last evaluated: 2025-02-05. Review status: criteria provided, single submitter. Criteria: Ambry Variant Classification Scheme 2023. Collection method: clinical testing. Allele origin: germline.
Comment: The p.L583R variant (also known as c.1748T>G), located in coding exon 10 of the PALLD gene, results from a T to G substitution at nucleotide position 1748. The leucine at codon 583 is replaced by arginine, an amino acid with dissimilar properties. This amino acid position is conserved. In addition, this alteration is predicted to be deleterious by in silico analysis. Based on the available evidence, the clinical significance of this variant remains unclear.